The following is an entry in ClinVar:

ClinVar aggregate classification (germline): Uncertain significance (1 of 4 stars; one submission).

gnomAD v4.1: 10 of 1,284,516 alleles (0.00078%); highest among the groups gnomAD compares: Non-Finnish European, 0.00088%; no homozygotes.

Submission:

Labcorp Genetics (formerly Invitae), Labcorp
Classification: Uncertain significance. Last evaluated: 2023-06-20. Review status: criteria provided, single submitter. Criteria: Invitae Variant Classification Sherloc (09022015). Collection method: clinical testing. Allele origin: germline.
Comment: In summary, the available evidence is currently insufficient to determine the role of this variant in disease. Therefore, it has been classified as a Variant of Uncertain Significance. An algorithm developed to predict the effect of missense changes on protein structure and function (PolyPhen-2) suggests that this variant is likely to be disruptive. This variant has not been reported in the literature in individuals affected with LEMD2-related conditions. This variant is not present in population databases (gnomAD no frequency). This sequence change replaces serine, which is neutral and polar, with phenylalanine, which is neutral and non-polar, at codon 174 of the LEMD2 protein (p.Ser174Phe).

NM_181336.4(LEMD2):c.521C>T (p.Ser174Phe)

Gene: LEMD2 (LEM domain nuclear envelope protein 2; minus strand). Cytogenetic location: 6p21.31.
Variant type: single nucleotide variant.
Coding change: c.521C>T on transcript NM_181336.4 (MANE Select); coding-DNA position 521, C replaced by T.
Protein change: p.Ser174Phe; replaces serine 174 with phenylalanine.
Molecular consequence: missense variant. On other transcripts: intron variant (2).
Genome position (GRCh38, 1-based): chr6:33,788,596, G>A on the plus strand (C>T on the coding strand, the complement: LEMD2 is on the minus strand). VCF-style: chr6-33788596-G-A. GRCh37 (hg19) VCF-style: chr6-33756373-G-A.
Other names: c.342+179C>T (NM_001348710.2); c.-171+179C>T (NM_001348709.2); short protein forms S174F.
Identifiers: ClinVar variation 2849395 (VCV002849395.3), dbSNP rs1222169038, ClinGen allele CA363696639.
Genomic context (GRCh38, chr6:33,788,596, plus strand): 5'-CCAGCAGGGCCCGCTCGAGTCGCCCGCAGGCCCGGGCGCGGGTCGGGACCGAGGAGGGAG[G>A]AAGGCAGCCGCGCCGGGGCGGGAGACGCTGCCCACCAGCGGCGGGCCGCGAGACCCGGGC-3'
Protein context (NP_851853.1, residues 164-184): AASPAPARLP[Ser174Phe]SLLGPDPRPG